The following is an entry in ClinVar:

ClinVar aggregate classification (germline): Benign (1 of 4 stars; one submission).

Allele frequency attached by ClinVar (database versions not stated): 1000 Genomes Project 0.31170; 1000 Genomes Project 30x 0.31605; TOPMed 0.46726; gnomAD 0.48876 and 0.49435.
gnomAD v4.1: 74,626 of 152,072 alleles (49%); highest among the groups gnomAD compares: Non-Finnish European, 67%; 21,886 homozygotes.

Submission:

GeneDx
Classification: Benign. Last evaluated: 2020-02-17. Review status: criteria provided, single submitter. Criteria: GeneDx Variant Classification Process June 2021. Collection method: clinical testing. Allele origin: germline. Affected: yes.
Comment: This variant is associated with the following publications: (PMID: 31570750)

NM_001079843.3(CASZ1):c.-233-4663G>A

Gene: CASZ1 (castor zinc finger 1; minus strand). Cytogenetic location: 1p36.22.
Variant type: single nucleotide variant.
Coding change: c.-233-4663G>A on transcript NM_001079843.3 (MANE Select); 4663 bases into the intron before 233 bases upstream of the start codon, G replaced by A.
Molecular consequence: intron variant.
Genome position (GRCh38, 1-based): chr1:10,765,520, C>T on the plus strand (G>A on the coding strand, the complement: CASZ1 is on the minus strand). VCF-style: chr1-10765520-C-T. GRCh37 (hg19) VCF-style: chr1-10825577-C-T.
Other names: c.-233-4663G>A (NM_017766.5).
Identifiers: ClinVar variation 1260902 (VCV001260902.2), dbSNP rs11121615, ClinGen allele CA10966038.